The following is an entry in ClinVar:

ClinVar aggregate classification (germline): Uncertain significance (1 of 4 stars; one submission).

Conditions:
Hereditary cancer-predisposing syndrome. Also called: Hereditary neoplastic syndrome; Neoplastic Syndromes, Hereditary; Tumor predisposition; Hereditary Cancer Syndrome. Identifiers: Orphanet 140162, MedGen C0027672, MeSH D009386, MONDO:0015356.

Submission:

Ambry Genetics
Classification: Uncertain significance for Hereditary cancer-predisposing syndrome. Last evaluated: 2026-05-12. Review status: criteria provided, single submitter. Criteria: Ambry Variant Classification Scheme 2023. Collection method: clinical testing. Allele origin: germline.
Comment: The c.417_423delTATGGCC variant, located in coding exon 1 of the HOXB13 gene, results from a deletion of 7 nucleotides at nucleotide positions 417 to 423, causing a translational frameshift with a predicted alternate stop codon (p.M140Vfs*137). This variant occurs at the 3' terminus of the gene and is not expected to trigger nonsense-mediated mRNA decay. Based on the available evidence, the clinical significance of this variant remains unclear.

NM_006361.6(HOXB13):c.417_423del (p.Met140fs)

Gene: HOXB13 (homeobox B13; minus strand). Cytogenetic location: 17q21.32.
Variant type: Deletion.
Coding change: c.417_423del on transcript NM_006361.6 (MANE Select); coding-DNA positions 417 to 423, 7 bases deleted (TATGGCC; older notation c.417_423delTATGGCC).
Protein change: p.Met140fs; shifts the reading frame from methionine 140.
Molecular consequence: frameshift variant.
Genome position (GRCh38, 1-based): chr17:48,728,171-48,728,177, GGCCATA deleted on the plus strand (TATGGCC on the coding strand, the reverse complement: HOXB13 is on the minus strand); deleting any 7 consecutive bases within chr17:48,728,171-48,728,180 gives the same sequence; the c. name uses the placement nearest the transcript's 3' end. VCF-style (leftmost placement, unchanged base first): chr17-48728170-TGGCCATA-T. GRCh37 (hg19) VCF-style: chr17-46805532-TGGCCATA-T.
Other names: c.417_423delTATGGCC (NM_006361.5); short protein forms M140fs.
Identifiers: ClinVar variation 4858376 (VCV004858376.1).